The following is an entry in ClinVar:

NM_004991.4(MECOM):c.1412G>A (p.Gly471Asp)

Gene: MECOM (MDS1 and EVI1 complex locus; minus strand). Cytogenetic location: 3q26.2.
Variant type: single nucleotide variant.
Coding change: c.1412G>A on transcript NM_004991.4 (MANE Select); coding-DNA position 1412, G replaced by A.
Protein change: p.Gly471Asp; replaces glycine 471 with aspartic acid.
Molecular consequence: missense variant. On other transcripts: intron variant (2).
Genome position (GRCh38, 1-based): chr3:169,116,460, C>T on the plus strand (G>A on the coding strand, the complement: MECOM is on the minus strand). VCF-style: chr3-169116460-C-T. GRCh37 (hg19) VCF-style: chr3-168834248-C-T.
Other names: c.1043G>A, p.Gly348Asp (NM_001105077.4); c.848G>A, p.Gly283Asp (NM_001105078.4, NM_001164000.2, NM_001205194.2 and 4 more transcripts); c.851G>A, p.Gly284Asp (NM_001163999.2, NM_001366467.2, NM_001366468.2 and 1 more transcripts); c.1412G>A, p.Gly471Asp (NM_001366466.2); c.1133-693G>A (NM_001366473.2); c.569-693G>A (NM_001366474.2); short protein forms G283D, G284D, G348D, G471D.
Identifiers: ClinVar variation 4105863 (VCV004105863.1).

ClinVar aggregate classification (germline): Uncertain significance (1 of 4 stars; one submission).

Conditions:
Inborn genetic diseases. Identifiers: MedGen C0950123, MeSH D030342.

Submission:

Ambry Genetics
Classification: Uncertain significance for Inborn genetic diseases. Last evaluated: 2025-08-20. Review status: criteria provided, single submitter. Criteria: Ambry Variant Classification Scheme 2023. Collection method: clinical testing. Allele origin: germline.
Comment: The p.G471D variant (also known as c.1412G>A), located in coding exon 8 of the MECOM gene, results from a G to A substitution at nucleotide position 1412. The glycine at codon 471 is replaced by aspartic acid, an amino acid with similar properties. This amino acid position is conserved. In addition, the in silico prediction for this alteration is inconclusive. Based on the available evidence, the clinical significance of this variant remains unclear.